The following is an entry in ClinVar:

ClinVar aggregate classification (germline): Uncertain significance. Review status: criteria provided, multiple submitters, no conflicts (2 of 4 stars). 2 submissions from 2 submitters: Uncertain significance (2). Last evaluated 2022-08-28.

Conditions:
Abetalipoproteinaemia (ABL). Also called: Abetalipoproteinemia; Abetalipoproteinemia neuropathy; Apolipoprotein B deficiency; Congenital betalipoprotein deficiency syndrome; MTP DEFICIENCY. Identifiers: Orphanet 14, MedGen C0000744, MONDO:0008692, OMIM 200100, HP:0008181.

Allele frequency attached by ClinVar (database versions not stated): TOPMed 0.00001; gnomAD exomes 0.00004; ExAC 0.00005.
gnomAD v4.1: 57 of 1,614,014 alleles (0.0035%); highest among the groups gnomAD compares: South Asian, 0.053%; 1 homozygote.

Submissions (2):

Labcorp Genetics (formerly Invitae), Labcorp
Classification: Uncertain significance. Last evaluated: 2022-08-28. Review status: criteria provided, single submitter. Criteria: Invitae Variant Classification Sherloc (09022015). Collection method: clinical testing. Allele origin: germline.
Comment: This sequence change replaces histidine, which is basic and polar, with tyrosine, which is neutral and polar, at codon 22 of the MTTP protein (p.His22Tyr). This variant is present in population databases (rs759200881, gnomAD 0.03%). This variant has not been reported in the literature in individuals affected with MTTP-related conditions. ClinVar contains an entry for this variant (Variation ID: 1209604). Algorithms developed to predict the effect of missense changes on protein structure and function are either unavailable or do not agree on the potential impact of this missense change (SIFT: "Tolerated"; PolyPhen-2: "Possibly Damaging"; Align-GVGD: "Class C0"). In summary, the available evidence is currently insufficient to determine the role of this variant in disease. Therefore, it has been classified as a Variant of Uncertain Significance.

Genome-Nilou Lab
Classification: Uncertain significance for Abetalipoproteinaemia. Last evaluated: 2021-07-14. Review status: criteria provided, single submitter. Criteria: ACMG Guidelines, 2015. Collection method: clinical testing. Allele origin: germline. Affected: no.

NM_001386140.1(MTTP):c.64C>T (p.His22Tyr)

Gene: MTTP (microsomal triglyceride transfer protein; plus strand). Cytogenetic location: 4q23.
Variant type: single nucleotide variant.
Coding change: c.64C>T on transcript NM_001386140.1 (MANE Select); coding-DNA position 64, C replaced by T.
Protein change: p.His22Tyr; replaces histidine 22 with tyrosine.
Molecular consequence: missense variant. On other transcripts: 5 prime UTR variant (1).
Genome position (GRCh38, 1-based): chr4:99,581,907, C>T. VCF-style: chr4-99581907-C-T. GRCh37 (hg19) VCF-style: chr4-100503064-C-T.
Other names: c.64C>T, p.His22Tyr (NM_000253.4); c.-186C>T (NM_001300785.2); short protein forms H22Y.
Identifiers: ClinVar variation 1209604 (VCV001209604.5), dbSNP rs759200881, ClinGen allele CA3021737.
Genomic context (GRCh38, chr4:99,581,907, plus strand): 5'-GTGAGACAGCATGTTCCCTTACAATGAAAACTGGATATGTGTCATTATCTTTATGCAGGT[C>T]ACACAACTGGTCTCTCATTAAATAATGACCGGCTGTACAAGCTCACGTACTCCACTGAAG-3'
Protein context (NP_001373069.1, residues 12-32): ISSYSASVKG[His22Tyr]TTGLSLNNDR